The following is an entry in ClinVar:

NM_145868.2(ANXA11):c.1169A>C (p.His390Pro)

Gene: ANXA11 (annexin A11; minus strand). Cytogenetic location: 10q22.3.
Variant type: single nucleotide variant.
Coding change: c.1169A>C on transcript NM_145868.2 (MANE Select); coding-DNA position 1169, A replaced by C.
Protein change: p.His390Pro; replaces histidine 390 with proline.
Molecular consequence: missense variant.
Genome position (GRCh38, 1-based): chr10:80,161,946, T>G on the plus strand (A>C on the coding strand, the complement: ANXA11 is on the minus strand). VCF-style: chr10-80161946-T-G. GRCh37 (hg19) VCF-style: chr10-81921702-T-G.
Other names: c.1169A>C, p.His390Pro (NM_001157.3, NM_001278407.2, NM_001278408.2 and 1 more transcripts); c.1070A>C, p.His357Pro (NM_001278409.2); short protein forms H357P, H390P.
Identifiers: ClinVar variation 1394853 (VCV001394853.8), dbSNP rs749573800, ClinGen allele CA5575894.

ClinVar aggregate classification (germline): Uncertain significance (1 of 4 stars; one submission).

Allele frequency attached by ClinVar (database versions not stated): gnomAD 0.00001.

Submission:

Labcorp Genetics (formerly Invitae), Labcorp
Classification: Uncertain significance. Last evaluated: 2020-12-11. Review status: criteria provided, single submitter. Criteria: Invitae Variant Classification Sherloc (09022015). Collection method: clinical testing. Allele origin: germline.
Comment: This sequence change replaces histidine with proline at codon 390 of the ANXA11 protein (p.His390Pro). The histidine residue is highly conserved and there is a moderate physicochemical difference between histidine and proline. This variant is present in population databases (rs749573800, ExAC 0.01%). This variant has not been reported in the literature in individuals with ANXA11-related conditions. Algorithms developed to predict the effect of missense changes on protein structure and function are either unavailable or do not agree on the potential impact of this missense change (SIFT: "Deleterious"; PolyPhen-2: "Probably Damaging"; Align-GVGD: "Class C0"). In summary, the available evidence is currently insufficient to determine the role of this variant in disease. Therefore, it has been classified as a Variant of Uncertain Significance.